The following is an entry in ClinVar:

ClinVar aggregate classification (germline): Uncertain significance (1 of 4 stars; one submission).

Conditions:
Fibrous dysplasia of jaw (CRBM). Also called: Cherubism. Identifiers: Orphanet 184, MedGen C0008029, MONDO:0007315, OMIM 118400.

Allele frequency attached by ClinVar (database versions not stated): ExAC 0.00001; gnomAD 0.00001.

Submission:

Labcorp Genetics (formerly Invitae), Labcorp
Classification: Uncertain significance for Fibrous dysplasia of jaw. Last evaluated: 2022-05-31. Review status: criteria provided, single submitter. Criteria: Invitae Variant Classification Sherloc (09022015). Collection method: clinical testing. Allele origin: germline.
Comment: This sequence change replaces alanine, which is neutral and non-polar, with valine, which is neutral and non-polar, at codon 250 of the SH3BP2 protein (p.Ala250Val). The frequency data for this variant in the population databases is considered unreliable, as metrics indicate poor data quality at this position in the gnomAD database. This variant has not been reported in the literature in individuals affected with SH3BP2-related conditions. Algorithms developed to predict the effect of missense changes on protein structure and function output the following: SIFT: "Tolerated"; PolyPhen-2: "Benign"; Align-GVGD: "Class C0". The valine amino acid residue is found in multiple mammalian species, which suggests that this missense change does not adversely affect protein function. In summary, the available evidence is currently insufficient to determine the role of this variant in disease. Therefore, it has been classified as a Variant of Uncertain Significance.

NM_001122681.2(SH3BP2):c.749C>T (p.Ala250Val)

Gene: SH3BP2 (SH3 domain binding protein 2; plus strand). Cytogenetic location: 4p16.3.
Variant type: single nucleotide variant.
Coding change: c.749C>T on transcript NM_001122681.2 (MANE Select); coding-DNA position 749, C replaced by T.
Protein change: p.Ala250Val; replaces alanine 250 with valine.
Molecular consequence: missense variant.
Genome position (GRCh38, 1-based): chr4:2,829,655, C>T. VCF-style: chr4-2829655-C-T. GRCh37 (hg19) VCF-style: chr4-2831382-C-T.
Other names: c.833C>T, p.Ala278Val (NM_001145855.2); c.920C>T, p.Ala307Val (NM_001145856.2); c.749C>T, p.Ala250Val (NM_003023.4); short protein forms A278V, A250V, A307V.
Identifiers: ClinVar variation 1930453 (VCV001930453.5), dbSNP rs759582599, ClinGen allele CA2819307.